The following is an entry in ClinVar:

NM_001009944.3(PKD1):c.3743_3745del (p.Gly1248del)

Gene: PKD1 (polycystin 1, transient receptor potential channel interacting; minus strand). Cytogenetic location: 16p13.3.
Variant type: Deletion.
Coding change: c.3743_3745del on transcript NM_001009944.3 (MANE Select); coding-DNA positions 3743 to 3745, 3 bases deleted (GGG; older notation c.3743_3745delGGG).
Protein change: p.Gly1248del; deletes glycine 1248.
Molecular consequence: inframe deletion. On other transcripts: inframe indel (1).
Genome position (GRCh38, 1-based): chr16:2,111,422-2,111,424, CCC deleted on the plus strand (GGG on the coding strand, the reverse complement: PKD1 is on the minus strand); deleting any 3 consecutive bases within chr16:2,111,422-2,111,426 gives the same sequence; the c. name uses the placement nearest the transcript's 3' end. VCF-style (leftmost placement, unchanged base first): chr16-2111421-TCCC-T. GRCh37 (hg19) VCF-style: chr16-2161422-TCCC-T.
Other names: c.3743_3745del, p.Gly1248del (NM_000296.4); c.3741_3743delGGG, p.Gly1248del (NM_001009944.2); short protein forms G1248del.
Identifiers: ClinVar variation 2507372 (VCV002507372.1), dbSNP rs2092501574, ClinGen allele CA2202047581.

ClinVar aggregate classification (germline): Likely pathogenic (1 of 4 stars; one submission).

Submission:

GeneDx
Classification: Likely pathogenic. Last evaluated: 2023-01-06. Review status: criteria provided, single submitter. Criteria: GeneDx Variant Classification Process June 2021. Collection method: clinical testing. Allele origin: germline. Affected: yes.
Comment: Not observed at significant frequency in large population cohorts (gnomAD); In-frame deletion of 1 amino acid in a non-repeat region; In silico analysis supports a deleterious effect on protein structure/function; This variant is associated with the following publications: (PMID: 30816285)